The following is an entry in ClinVar:

ClinVar aggregate classification (germline): Uncertain significance (1 of 4 stars; one submission).

Submission:

Labcorp Genetics (formerly Invitae), Labcorp
Classification: Uncertain significance. Last evaluated: 2025-09-28. Review status: criteria provided, single submitter. Criteria: Invitae Variant Classification Sherloc (09022015). Collection method: clinical testing. Allele origin: germline.
Comment: This sequence change replaces leucine, which is neutral and non-polar, with valine, which is neutral and non-polar, at codon 15 of the MMP14 protein (p.Leu15Val). This variant is not present in population databases (gnomAD no frequency). This variant has not been reported in the literature in individuals affected with MMP14-related conditions. An algorithm developed to predict the effect of missense changes on protein structure and function outputs the following: PolyPhen-2: "Not Available". The valine amino acid residue is found in multiple mammalian species, which suggests that this missense change does not adversely affect protein function. In summary, the available evidence is currently insufficient to determine the role of this variant in disease. Therefore, it has been classified as a Variant of Uncertain Significance.

NM_004995.4(MMP14):c.43C>G (p.Leu15Val)

Gene: MMP14 (matrix metallopeptidase 14; plus strand). Cytogenetic location: 14q11.2.
Variant type: single nucleotide variant.
Coding change: c.43C>G on transcript NM_004995.4 (MANE Select); coding-DNA position 43, C replaced by G.
Protein change: p.Leu15Val; replaces leucine 15 with valine.
Molecular consequence: missense variant.
Genome position (GRCh38, 1-based): chr14:22,836,860, C>G. VCF-style: chr14-22836860-C-G. GRCh37 (hg19) VCF-style: chr14-23306069-C-G.
Other names: short protein forms L15V.
Identifiers: ClinVar variation 4806871 (VCV004806871.1).